The following is an entry in ClinVar:

ClinVar aggregate classification (germline): Uncertain significance. Review status: criteria provided, multiple submitters, no conflicts (2 of 4 stars). 3 submissions from 3 submitters: Uncertain significance (2). 1 of the submissions does not count toward it. Last evaluated 2025-06-12.

Conditions:
MKKS-related disorder. Also called: MKKS-related condition; MKKS-related disorders.
Inborn genetic diseases. Identifiers: MedGen C0950123, MeSH D030342.

gnomAD v4.1: 7 of 1,614,168 alleles (0.00043%); highest among the groups gnomAD compares: Non-Finnish European, 0.00059%; no homozygotes.

Submissions (3):

Ambry Genetics
Classification: Uncertain significance for Inborn genetic diseases. Last evaluated: 2025-06-12. Review status: criteria provided, single submitter. Criteria: Ambry Variant Classification Scheme 2023. Collection method: clinical testing. Allele origin: germline.

GeneDx
Classification: Uncertain significance. Last evaluated: 2024-09-09. Review status: criteria provided, single submitter. Criteria: GeneDx Variant Classification Process June 2021. Collection method: clinical testing. Allele origin: germline. Affected: yes.
Comment: Not observed at significant frequency in large population cohorts (gnomAD); In silico analysis indicates that this missense variant does not alter protein structure/function; Has not been previously published as pathogenic or benign to our knowledge

PreventionGenetics, part of Exact Sciences
Classification: Uncertain significance for MKKS-related condition. Last evaluated: 2024-08-22. Review status: no assertion criteria provided. Collection method: clinical testing. Allele origin: germline. Not counted in ClinVar's aggregate classification.
Comment: The MKKS c.8G>T variant is predicted to result in the amino acid substitution p.Arg3Leu. To our knowledge, this variant has not been reported in the literature or in a large population database, indicating this variant is rare. Of note, a different substitution at the same codon, defined as c.7C>T (p.Arg3Cys), was reported in an individual with Bardet-Biedl syndrome, but the clinical significance was uncertain (Gnanasekaran et al. 2023. PubMed ID: 37431782). At this time, the clinical significance of the c.8G>T (p.Arg3Leu) variant is uncertain due to the absence of conclusive functional and genetic evidence.

NM_170784.3(MKKS):c.8G>T (p.Arg3Leu)

Gene: MKKS (MKKS centrosomal shuttling protein; minus strand). Cytogenetic location: 20p12.2.
Variant type: single nucleotide variant.
Coding change: c.8G>T on transcript NM_170784.3 (MANE Select); coding-DNA position 8, G replaced by T.
Protein change: p.Arg3Leu; replaces arginine 3 with leucine.
Molecular consequence: missense variant.
Genome position (GRCh38, 1-based): chr20:10,413,507, C>A on the plus strand (G>T on the coding strand, the complement: MKKS is on the minus strand). VCF-style: chr20-10413507-C-A. GRCh37 (hg19) VCF-style: chr20-10394155-C-A.
Other names: c.8G>T, p.Arg3Leu (NM_018848.3); c.8G>T (NM_018848.2); short protein forms R3L.
Identifiers: ClinVar variation 3350092 (VCV003350092.3).